The following is an entry in ClinVar:

ClinVar aggregate classification (germline): Uncertain significance (1 of 4 stars; one submission).

gnomAD v4.1: 2 of 1,614,174 alleles (0.00012%); highest among the groups gnomAD compares: African/African-American, 0.0013%; no homozygotes.

Submission:

GeneDx
Classification: Uncertain significance. Last evaluated: 2025-05-16. Review status: criteria provided, single submitter. Criteria: GeneDx Variant Classification Process June 2021. Collection method: clinical testing. Allele origin: germline. Affected: yes.
Comment: Not observed at significant frequency in large population cohorts (gnomAD); In silico analysis suggests that this missense variant does not alter protein structure/function; Has not been previously published as pathogenic or benign to our knowledge

NM_003995.4(NPR2):c.1219C>G (p.Pro407Ala)

Gene: NPR2 (natriuretic peptide receptor 2; plus strand). Cytogenetic location: 9p13.3.
Variant type: single nucleotide variant.
Coding change: c.1219C>G on transcript NM_003995.4 (MANE Select); coding-DNA position 1219, C replaced by G.
Protein change: p.Pro407Ala; replaces proline 407 with alanine.
Molecular consequence: missense variant.
Genome position (GRCh38, 1-based): chr9:35,800,709, C>G. VCF-style: chr9-35800709-C-G. GRCh37 (hg19) VCF-style: chr9-35800706-C-G.
Other names: c.1219C>G, p.Pro407Ala (NM_001378923.1); short protein forms P407A.
Identifiers: ClinVar variation 4529760 (VCV004529760.1).